The following is an entry in ClinVar:

ClinVar aggregate classification (germline): Uncertain significance. Review status: criteria provided, multiple submitters, no conflicts (2 of 4 stars). 5 submissions from 5 submitters: Uncertain significance (3). 2 of the submissions do not count toward it. Last evaluated 2024-10-15.

Conditions:
Cohen syndrome (COH1). Also called: Cutis verticis gyrata, retinitis pigmentosa, and sensorineural deafness; PEPPER SYNDROME. Identifiers: Orphanet 193, MedGen C0265223, MONDO:0008999, OMIM 216550.
VPS13B-related disorder. Also called: VPS13B-related condition.

Allele frequency attached by ClinVar (database versions not stated): ExAC 0.00003; gnomAD 0.00004; ESP Exome Variant Server 0.00015; gnomAD exomes 0.00004 and 0.00005; TOPMed 0.00006.
gnomAD v4.1: 75 of 1,613,328 alleles (0.0046%); highest among the groups gnomAD compares: Non-Finnish European, 0.006%; no homozygotes.

Submissions (5):

Labcorp Genetics (formerly Invitae), Labcorp
Classification: Uncertain significance for Cohen syndrome. Last evaluated: 2024-10-15. Review status: criteria provided, single submitter. Criteria: Invitae Variant Classification Sherloc (09022015). Collection method: clinical testing. Allele origin: germline.
Comment: This sequence change replaces serine, which is neutral and polar, with cysteine, which is neutral and slightly polar, at codon 837 of the VPS13B protein (p.Ser837Cys). This variant is present in population databases (rs201872788, gnomAD 0.007%). This variant has not been reported in the literature in individuals affected with VPS13B-related conditions. ClinVar contains an entry for this variant (Variation ID: 289218). Invitae Evidence Modeling of protein sequence and biophysical properties (such as structural, functional, and spatial information, amino acid conservation, physicochemical variation, residue mobility, and thermodynamic stability) indicates that this missense variant is not expected to disrupt VPS13B protein function with a negative predictive value of 80%. In summary, the available evidence is currently insufficient to determine the role of this variant in disease. Therefore, it has been classified as a Variant of Uncertain Significance.

Blueprint Genetics
Classification: Uncertain significance. Last evaluated: 2023-09-08. Review status: criteria provided, single submitter. Criteria: ACMG Guidelines, 2015. Collection method: clinical testing. Allele origin: germline.

Eurofins Ntd Llc (ga)
Classification: Uncertain significance. Last evaluated: 2016-08-18. Review status: criteria provided, single submitter. Criteria: EGL Classification Definitions 2015. Collection method: clinical testing. Allele origin: germline. Observed: 1 variant allele, 1 heterozygote.

PreventionGenetics, part of Exact Sciences
Classification: Uncertain significance for VPS13B-related condition. Last evaluated: 2024-05-29. Review status: no assertion criteria provided. Collection method: clinical testing. Allele origin: germline. Not counted in ClinVar's aggregate classification.
Comment: The VPS13B c.2509A>T variant is predicted to result in the amino acid substitution p.Ser837Cys. To our knowledge, this variant has not been reported in the literature. This variant is reported in 0.0062% of alleles in individuals of European (Non-Finnish) descent in gnomAD. At this time, the clinical significance of this variant is uncertain due to the absence of conclusive functional and genetic evidence.

Natera, Inc.
Classification: Uncertain significance for Cohen syndrome. Last evaluated: 2019-11-11. Review status: no assertion criteria provided. Collection method: clinical testing. Allele origin: germline. Not counted in ClinVar's aggregate classification.

NM_152564.5(VPS13B):c.2509A>T (p.Ser837Cys)

Gene: VPS13B (vacuolar protein sorting 13 homolog B; plus strand). Cytogenetic location: 8q22.2.
Variant type: single nucleotide variant.
Coding change: c.2509A>T on transcript NM_152564.5 (MANE Select); coding-DNA position 2509, A replaced by T.
Protein change: p.Ser837Cys; replaces serine 837 with cysteine.
Molecular consequence: missense variant.
Genome position (GRCh38, 1-based): chr8:99,193,051, A>T. VCF-style: chr8-99193051-A-T. GRCh37 (hg19) VCF-style: chr8-100205279-A-T.
Other names: c.2509A>T (NM_152564.4); c.2509A>T, p.Ser837Cys (NM_015243.3, NM_017890.5); short protein forms S837C.
Identifiers: ClinVar variation 289218 (VCV000289218.13), dbSNP rs201872788, ClinGen allele CA4822913.
Genomic context (GRCh38, chr8:99,193,051, plus strand): 5'-CATCTTGGAAATGTCAGCTCTTCCGCAGTGATTGAAGCTTTGATAAATGAAATCTTCCTA[A>T]GTATAGGTAAGAGCACAGTCTTTTTGATAACTATATGGAAAATTTGTGTTAGAGGCAACT-3'
Protein context (NP_689777.3, residues 827-847): IEALINEIFL[Ser837Cys]IGVKSKNPLP